The following is an entry in ClinVar:

NM_206933.4(USH2A):c.1903A>G (p.Ile635Val)

Gene: USH2A (usherin; minus strand). Cytogenetic location: 1q41.
Variant type: single nucleotide variant.
Coding change: c.1903A>G on transcript NM_206933.4 (MANE Select); coding-DNA position 1903, A replaced by G.
Protein change: p.Ile635Val; replaces isoleucine 635 with valine.
Molecular consequence: missense variant.
Genome position (GRCh38, 1-based): chr1:216,289,348, T>C on the plus strand (A>G on the coding strand, the complement: USH2A is on the minus strand). VCF-style: chr1-216289348-T-C. GRCh37 (hg19) VCF-style: chr1-216462690-T-C.
Other names: c.1903A>G, p.Ile635Val (NM_007123.6); short protein forms I635V.
Identifiers: ClinVar variation 295438 (VCV000295438.21), dbSNP rs201808654, ClinGen allele CA1396360.

ClinVar aggregate classification (germline): Uncertain significance. Review status: criteria provided, multiple submitters, no conflicts (2 of 4 stars). 10 submissions from 8 submitters: Uncertain significance (9). 1 of the submissions does not count toward it. Last evaluated 2026-04-16.

Conditions:
Inborn genetic diseases. Identifiers: MedGen C0950123, MeSH D030342.
USH2A-related disorder. Also called: USH2A-related disorders; USH2A-related condition. Identifiers: MedGen CN239332.
Retinitis pigmentosa (RP). Identifiers: Orphanet 791, MedGen C0035334, MeSH D012174, MONDO:0019200, OMIM 268000. Inheritance: Autosomal dominant, autosomal recessive and X linked inheritance.
Retinitis pigmentosa 39 (RP39). Identifiers: Orphanet 791, MedGen C3151138, MONDO:0013436, OMIM 613809.
Usher syndrome type 2A. Also called: RETINAL DISEASE IN USHER SYNDROME TYPE IIA, MODIFIER OF; USHER SYNDROME, TYPE IIA. Identifiers: Orphanet 231178, Orphanet 886, MedGen C1848634, MONDO:0010169, OMIM 276901.

Allele frequency attached by ClinVar (database versions not stated): ExAC 0.00004; gnomAD 0.00013; TOPMed 0.00014; 1000 Genomes Project 0.00020; ESP Exome Variant Server 0.00031; 1000 Genomes Project 30x 0.00047.
gnomAD v4.1: 64 of 1,614,002 alleles (0.004%); highest among the groups gnomAD compares: African/African-American, 0.028%; no homozygotes.

Submissions (10):

PreventionGenetics, part of Exact Sciences
Classification: Uncertain significance for USH2A-related condition. Last evaluated: 2026-04-16. Review status: criteria provided, single submitter. Criteria: ACMG Guidelines, 2015. Collection method: clinical testing. Allele origin: germline.
Comment: The USH2A c.1903A>G variant is predicted to result in the amino acid substitution p.Ile635Val. To our knowledge, this variant has not been reported in the literature. This variant is reported in 0.036% of alleles in individuals of African descent in gnomAD. At this time, the clinical significance of this variant is uncertain due to the absence of conclusive functional and genetic evidence.

Ambry Genetics
Classification: Uncertain significance for Inborn genetic diseases. Last evaluated: 2025-05-16. Review status: criteria provided, single submitter. Criteria: Ambry Variant Classification Scheme 2023. Collection method: clinical testing. Allele origin: germline.

Labcorp Genetics (formerly Invitae), Labcorp
Classification: Uncertain significance. Last evaluated: 2024-08-12. Review status: criteria provided, single submitter. Criteria: Invitae Variant Classification Sherloc (09022015). Collection method: clinical testing. Allele origin: germline.
Comment: This sequence change replaces isoleucine, which is neutral and non-polar, with valine, which is neutral and non-polar, at codon 635 of the USH2A protein (p.Ile635Val). This variant is present in population databases (rs201808654, gnomAD 0.04%). This variant has not been reported in the literature in individuals affected with USH2A-related conditions. ClinVar contains an entry for this variant (Variation ID: 295438). Advanced modeling of protein sequence and biophysical properties (such as structural, functional, and spatial information, amino acid conservation, physicochemical variation, residue mobility, and thermodynamic stability) performed at Invitae indicates that this missense variant is not expected to disrupt USH2A protein function with a negative predictive value of 95%. In summary, the available evidence is currently insufficient to determine the role of this variant in disease. Therefore, it has been classified as a Variant of Uncertain Significance.

Blueprint Genetics
Classification: Uncertain significance. Last evaluated: 2024-04-08. Review status: criteria provided, single submitter. Criteria: ACMG Guidelines, 2015. Collection method: clinical testing. Allele origin: germline.

Genome-Nilou Lab
Classification: Uncertain significance for Retinitis pigmentosa 39. Last evaluated: 2023-11-04. Review status: criteria provided, single submitter. Criteria: ACMG Guidelines, 2015. Collection method: clinical testing. Allele origin: germline. Affected: no.

Genome-Nilou Lab
Classification: Uncertain significance for Usher syndrome type 2A. Last evaluated: 2023-11-04. Review status: criteria provided, single submitter. Criteria: ACMG Guidelines, 2015. Collection method: clinical testing. Allele origin: germline. Affected: no.

GeneDx
Classification: Uncertain significance. Last evaluated: 2021-12-14. Review status: criteria provided, single submitter. Criteria: GeneDx Variant Classification Process June 2021. Collection method: clinical testing. Allele origin: germline. Affected: yes.
Comment: In silico analysis supports that this missense variant does not alter protein structure/function; Has not been previously published as pathogenic or benign to our knowledge

Illumina Laboratory Services, Illumina
Classification: Uncertain significance for Retinitis pigmentosa. Last evaluated: 2018-01-13. Review status: criteria provided, single submitter. Criteria: ICSL Variant Classification Criteria 13 December 2019. Collection method: clinical testing. Allele origin: germline.

Illumina Laboratory Services, Illumina
Classification: Uncertain significance for Usher syndrome type 2A. Last evaluated: 2018-01-13. Review status: criteria provided, single submitter. Criteria: ICSL Variant Classification Criteria 13 December 2019. Collection method: clinical testing. Allele origin: germline.

Natera, Inc.
Classification: Uncertain significance for Usher syndrome type 2A. Last evaluated: 2019-11-11. Review status: no assertion criteria provided. Collection method: clinical testing. Allele origin: germline. Not counted in ClinVar's aggregate classification.